The following is an entry in ClinVar:

NM_001457.4(FLNB):c.6101G>A (p.Gly2034Asp)

Gene: FLNB (filamin B; plus strand). Cytogenetic location: 3p14.3.
Variant type: single nucleotide variant.
Coding change: c.6101G>A on transcript NM_001457.4 (MANE Select); coding-DNA position 6101, G replaced by A.
Protein change: p.Gly2034Asp; replaces glycine 2034 with aspartic acid.
Molecular consequence: missense variant.
Genome position (GRCh38, 1-based): chr3:58,149,859, G>A. VCF-style: chr3-58149859-G-A. GRCh37 (hg19) VCF-style: chr3-58135586-G-A.
Other names: c.6194G>A, p.Gly2065Asp (NM_001164317.2); c.6068G>A, p.Gly2023Asp (NM_001164318.2); c.6029G>A, p.Gly2010Asp (NM_001164319.2); short protein forms G2010D, G2023D, G2034D, G2065D.
Identifiers: ClinVar variation 2731966 (VCV002731966.3), dbSNP rs2471210301, ClinGen allele CA353356859.

ClinVar aggregate classification (germline): Uncertain significance (1 of 4 stars; one submission).

Submission:

Labcorp Genetics (formerly Invitae), Labcorp
Classification: Uncertain significance. Last evaluated: 2023-06-28. Review status: criteria provided, single submitter. Criteria: Invitae Variant Classification Sherloc (09022015). Collection method: clinical testing. Allele origin: germline.
Comment: In summary, the available evidence is currently insufficient to determine the role of this variant in disease. Therefore, it has been classified as a Variant of Uncertain Significance. Advanced modeling of protein sequence and biophysical properties (such as structural, functional, and spatial information, amino acid conservation, physicochemical variation, residue mobility, and thermodynamic stability) performed at Invitae indicates that this missense variant is not expected to disrupt FLNB protein function. This variant has not been reported in the literature in individuals affected with FLNB-related conditions. This variant is not present in population databases (gnomAD no frequency). This sequence change replaces glycine, which is neutral and non-polar, with aspartic acid, which is acidic and polar, at codon 2034 of the FLNB protein (p.Gly2034Asp).